The following is an entry in ClinVar:

NM_005591.4(MRE11):c.493A>C (p.Ser165Arg)

Gene: MRE11 (MRE11 double strand break repair nuclease; minus strand). Cytogenetic location: 11q21.
Variant type: single nucleotide variant.
Coding change: c.493A>C on transcript NM_005591.4 (MANE Select); coding-DNA position 493, A replaced by C.
Protein change: p.Ser165Arg; replaces serine 165 with arginine.
Molecular consequence: missense variant.
Genome position (GRCh38, 1-based): chr11:94,478,786, T>G on the plus strand (A>C on the coding strand, the complement: MRE11 is on the minus strand). VCF-style: chr11-94478786-T-G. GRCh37 (hg19) VCF-style: chr11-94211952-T-G.
Other names: c.493A>C, p.Ser165Arg (NM_001330347.2, NM_005590.4); short protein forms S165R.
Identifiers: ClinVar variation 1799991 (VCV001799991.2), dbSNP rs763298588, ClinGen allele CA6235384.

ClinVar aggregate classification (germline): Uncertain significance (1 of 4 stars; one submission).

Conditions:
Hereditary cancer-predisposing syndrome. Also called: Neoplastic Syndromes, Hereditary; Tumor predisposition; Hereditary Cancer Syndrome; Hereditary neoplastic syndrome. Identifiers: Orphanet 140162, MedGen C0027672, MeSH D009386, MONDO:0015356.

Allele frequency attached by ClinVar (database versions not stated): ExAC 0.00001.
gnomAD v4.1: 1 of 1,613,700 alleles (0.000062%); highest among the groups gnomAD compares: South Asian, 0.0011%; no homozygotes.

Submission:

Ambry Genetics
Classification: Uncertain significance for Hereditary cancer-predisposing syndrome. Last evaluated: 2022-02-17. Review status: criteria provided, single submitter. Criteria: Ambry Variant Classification Scheme 2023. Collection method: clinical testing. Allele origin: germline.
Comment: The p.S165R variant (also known as c.493A>C), located in coding exon 5 of the MRE11A gene, results from an A to C substitution at nucleotide position 493. The serine at codon 165 is replaced by arginine, an amino acid with dissimilar properties. This amino acid position is conserved. In addition, this alteration is predicted to be deleterious by in silico analysis. Since supporting evidence is limited at this time, the clinical significance of this alteration remains unclear.